The following is an entry in ClinVar:

ClinVar aggregate classification (germline): Uncertain significance (1 of 4 stars; one submission).

Submission:

Labcorp Genetics (formerly Invitae), Labcorp
Classification: Uncertain significance. Last evaluated: 2022-12-12. Review status: criteria provided, single submitter. Criteria: Invitae Variant Classification Sherloc (09022015). Collection method: clinical testing. Allele origin: germline.
Comment: This sequence change replaces serine, which is neutral and polar, with proline, which is neutral and non-polar, at codon 1486 of the KIDINS220 protein (p.Ser1486Pro). This variant is not present in population databases (gnomAD no frequency). This variant has not been reported in the literature in individuals affected with KIDINS220-related conditions. Algorithms developed to predict the effect of missense changes on protein structure and function are either unavailable or do not agree on the potential impact of this missense change (SIFT: "Deleterious"; PolyPhen-2: "Benign"; Align-GVGD: "Class C0"). In summary, the available evidence is currently insufficient to determine the role of this variant in disease. Therefore, it has been classified as a Variant of Uncertain Significance.

NM_020738.4(KIDINS220):c.4456T>C (p.Ser1486Pro)

Gene: KIDINS220 (kinase D interacting substrate 220; minus strand). Cytogenetic location: 2p25.1.
Variant type: single nucleotide variant.
Coding change: c.4456T>C on transcript NM_020738.4 (MANE Select); coding-DNA position 4456, T replaced by C.
Protein change: p.Ser1486Pro; replaces serine 1486 with proline.
Molecular consequence: missense variant. On other transcripts: intron variant (6).
Genome position (GRCh38, 1-based): chr2:8,731,580, A>G on the plus strand (T>C on the coding strand, the complement: KIDINS220 is on the minus strand). VCF-style: chr2-8731580-A-G. GRCh37 (hg19) VCF-style: chr2-8871710-A-G.
Other names: c.4402T>C, p.Ser1468Pro (NM_001348731.2); c.4399T>C, p.Ser1467Pro (NM_001348732.2); c.4288T>C, p.Ser1430Pro (NM_001348734.2); c.4285T>C, p.Ser1429Pro (NM_001348735.2); c.4159T>C, p.Ser1387Pro (NM_001348736.2); c.3882+1864T>C (NM_001348741.2, NM_001348742.2, NM_001348743.2); c.3996+1864T>C (NM_001348738.2); c.3885+1864T>C (NM_001348739.2, NM_001348740.2); and 1 more; short protein forms S1467P, S1468P, S1487P, S1387P, S1429P, S1430P, S1486P.
Identifiers: ClinVar variation 2818858 (VCV002818858.3), dbSNP rs2527403080, ClinGen allele CA345764369.